The following is an entry in ClinVar:

ClinVar aggregate classification (germline): Uncertain significance (1 of 4 stars; one submission).

Conditions:
Marfan syndrome (MFS). Also called: MARFAN SYNDROME, TYPE I; Marfan syndrome type 1; Marfan's syndrome; Marfan syndrome, classic; FBN1-Related Marfan Syndrome. Identifiers: Orphanet 284963, Orphanet 558, MedGen C0024796, MONDO:0007947, OMIM 154700.

Submission:

All of Us Research Program, National Institutes of Health
Classification: Uncertain significance for Marfan syndrome. Last evaluated: 2023-11-20. Review status: criteria provided, single submitter. Criteria: ACMG Guidelines, 2015. Collection method: clinical testing. Allele origin: germline. Inheritance: Autosomal dominant inheritance. Observed: 1 variant allele, 1 heterozygote.
Comment: This variant causes a deletion of two nucleotides in intron 9 of the FBN1 gene. To our knowledge, functional studies have not been reported for this variant. This variant has not been reported in individuals affected with FBN1-related disorders in the literature. This variant has been identified in 2/282426 chromosomes in the general population by the Genome Aggregation Database (gnomAD). The available evidence is insufficient to determine the role of this variant in disease conclusively. Therefore, this variant is classified as a Variant of Uncertain Significance.

This study involves interpretation of variants in research participants for the purpose of population health screening. Participant phenotype was not available at the time of variant classification. Additional details can be found in publication PMID: 35346344, PMCID: PMC8962531

NM_000138.5(FBN1):c.989-16_989-15del

Gene: FBN1 (fibrillin 1; minus strand). Cytogenetic location: 15q21.1.
Variant type: Microsatellite.
Coding change: c.989-16_989-15del on transcript NM_000138.5 (MANE Select); 16 bases into the intron before coding-DNA position 989 through 15 bases into the intron before coding-DNA position 989, 2 bases deleted (GT; older notation c.989-16_989-15delGT).
Molecular consequence: intron variant.
Genome position (GRCh38, 1-based): chr15:48,520,832-48,520,833, AC deleted on the plus strand (GT on the coding strand, the reverse complement: FBN1 is on the minus strand); deleting any 2 consecutive bases within chr15:48,520,832-48,520,836 gives the same sequence; the c. name uses the placement nearest the transcript's 3' end. VCF-style (leftmost placement, unchanged base first): chr15-48520831-AAC-A. GRCh37 (hg19) VCF-style: chr15-48813028-AAC-A.
Other names: c.989-16_989-15del (NM_001406716.1).
Identifiers: ClinVar variation 3074584 (VCV003074584.1), dbSNP rs1443212781, ClinGen allele CA618009378.